The following is an entry in ClinVar:

ClinVar aggregate classification (germline): Uncertain significance (1 of 4 stars; one submission).

Conditions:
MED12-related intellectual disability syndrome. Identifiers: MedGen CN305246, MONDO:0100000.

Submission:

Dasa
Classification: Uncertain significance for MED12-related intellectual disability syndrome. Last evaluated: 2025-05-25. Review status: criteria provided, single submitter. Criteria: DASA Assertion Criteria. Collection method: clinical testing. Allele origin: germline.
Comment: NM_005120.3(MED12):c.1408C>T (p.Arg470Cys) is a missense variant that results in the substitution of arginine with cysteine. This variant is absent from population databases. Computational prediction algorithms are consistent with a benign effect. The currently available literature and clinical evidence are not sufficient to establish a definitive association between this variant and the reported condition. Therefore, this variant is classified as a variant of uncertain significance.

NM_005120.3(MED12):c.1408C>T (p.Arg470Cys)

Genes: MED12 (mediator complex subunit 12; plus strand), LOC126863275 (BRD4-independent group 4 enhancer GRCh37_chrX:70342400-70343599; plus strand). Cytogenetic location: Xq13.1.
Variant type: single nucleotide variant.
Coding change: c.1408C>T on transcript NM_005120.3 (MANE Select); coding-DNA position 1408, C replaced by T.
Protein change: p.Arg470Cys; replaces arginine 470 with cysteine.
Molecular consequence: missense variant.
Genome position (GRCh38, 1-based): chrX:71,122,797, C>T. VCF-style: chrX-71122797-C-T. GRCh37 (hg19) VCF-style: chrX-70342647-C-T.
Other names: short protein forms R470C.
Identifiers: ClinVar variation 4882435 (VCV004882435.2).